The following is an entry in ClinVar:

NM_002528.7(NTHL1):c.89C>G (p.Pro30Arg)

Gene: NTHL1 (nth like DNA glycosylase 1; minus strand). Cytogenetic location: 16p13.3.
Variant type: single nucleotide variant.
Coding change: c.89C>G on transcript NM_002528.7 (MANE Select); coding-DNA position 89, C replaced by G.
Protein change: p.Pro30Arg; replaces proline 30 with arginine.
Molecular consequence: missense variant. On other transcripts: 5 prime UTR variant (1).
Genome position (GRCh38, 1-based): chr16:2,047,735, G>C on the plus strand (C>G on the coding strand, the complement: NTHL1 is on the minus strand). VCF-style: chr16-2047735-G-C. GRCh37 (hg19) VCF-style: chr16-2097736-G-C.
Other names: c.89C>G, p.Pro30Arg (NM_001318193.2, LRG_1366t1); c.-90C>G (NM_001318194.2); short protein forms P30R.
Identifiers: ClinVar variation 653588 (VCV000653588.16), dbSNP rs759555861, ClinGen allele CA027403.

ClinVar aggregate classification (germline): Uncertain significance. Review status: criteria provided, multiple submitters, no conflicts (2 of 4 stars). 2 submissions from 2 submitters: Uncertain significance (2). Last evaluated 2026-01-06.

Conditions:
Hereditary cancer-predisposing syndrome. Also called: Neoplastic Syndromes, Hereditary; Tumor predisposition; Hereditary Cancer Syndrome; Hereditary neoplastic syndrome. Identifiers: Orphanet 140162, MedGen C0027672, MeSH D009386, MONDO:0015356.

Allele frequency attached by ClinVar (database versions not stated): gnomAD exomes 0.00001; ExAC 0.00003.
gnomAD v4.1: 8 of 1,585,086 alleles (0.0005%); highest among the groups gnomAD compares: South Asian, 0.0011%; no homozygotes.

Submissions (2):

Labcorp Genetics (formerly Invitae), Labcorp
Classification: Uncertain significance. Last evaluated: 2026-01-06. Review status: criteria provided, single submitter. Criteria: Invitae Variant Classification Sherloc (09022015). Collection method: clinical testing. Allele origin: germline.
Comment: This sequence change replaces proline, which is neutral and non-polar, with arginine, which is basic and polar, at codon 38 of the NTHL1 protein (p.Pro38Arg). This variant is present in population databases (rs759555861, gnomAD 0.001%). This variant has not been reported in the literature in individuals affected with NTHL1-related conditions. ClinVar contains an entry for this variant (Variation ID: 653588). An algorithm developed to predict the effect of missense changes on protein structure and function (PolyPhen-2) suggests that this variant is likely to be tolerated. In summary, the available evidence is currently insufficient to determine the role of this variant in disease. Therefore, it has been classified as a Variant of Uncertain Significance.

Ambry Genetics
Classification: Uncertain significance for Hereditary cancer-predisposing syndrome. Last evaluated: 2025-10-16. Review status: criteria provided, single submitter. Criteria: Ambry Variant Classification Scheme 2023. Collection method: clinical testing. Allele origin: germline.
Comment: The p.P38R variant (also known as c.113C>G), located in coding exon 1 of the NTHL1 gene, results from a C to G substitution at nucleotide position 113. The proline at codon 38 is replaced by arginine, an amino acid with dissimilar properties. This amino acid position is well conserved in available vertebrate species. In addition, this alteration is predicted to be tolerated by in silico analysis. Since supporting evidence is limited at this time, the clinical significance of this alteration remains unclear.